The following is an entry in ClinVar:

ClinVar aggregate classification (germline): Uncertain significance. Review status: criteria provided, multiple submitters, no conflicts (2 of 4 stars). 3 submissions from 3 submitters: Uncertain significance (2). 1 of the submissions does not count toward it. Last evaluated 2024-09-10.

Conditions:
Ehlers-Danlos syndrome, dermatosparaxis type. Also called: EDS VIIC; Ehlers-Danlos syndrome, type VII, autosomal recessive; Dermatosparaxis. Identifiers: Orphanet 1901, MedGen C2700425, MONDO:0009161, OMIM 225410.

Allele frequency attached by ClinVar (database versions not stated): gnomAD exomes below 0.00001; gnomAD 0.00002; TOPMed 0.00003.
gnomAD v4.1: 7 of 1,612,800 alleles (0.00043%); highest among the groups gnomAD compares: Admixed American, 0.0067%; no homozygotes.

Submissions (3):

Labcorp Genetics (formerly Invitae), Labcorp
Classification: Uncertain significance for Ehlers-Danlos syndrome, dermatosparaxis type. Last evaluated: 2024-09-10. Review status: criteria provided, single submitter. Criteria: Invitae Variant Classification Sherloc (09022015). Collection method: clinical testing. Allele origin: germline.
Comment: This sequence change replaces arginine, which is basic and polar, with cysteine, which is neutral and slightly polar, at codon 938 of the ADAMTS2 protein (p.Arg938Cys). This variant is not present in population databases (gnomAD no frequency). This variant has not been reported in the literature in individuals affected with ADAMTS2-related conditions. ClinVar contains an entry for this variant (Variation ID: 1026773). An algorithm developed to predict the effect of missense changes on protein structure and function (PolyPhen-2) suggests that this variant is likely to be disruptive. In summary, the available evidence is currently insufficient to determine the role of this variant in disease. Therefore, it has been classified as a Variant of Uncertain Significance.

GeneDx
Classification: Uncertain significance. Last evaluated: 2020-10-15. Review status: criteria provided, single submitter. Criteria: GeneDx Variant Classification Process June 2021. Collection method: clinical testing. Allele origin: germline. Affected: yes.
Comment: Not observed in large population cohorts (Lek et al., 2016); In silico analysis supports that this missense variant has a deleterious effect on protein structure/function; Has not been previously published as pathogenic or benign to our knowledge

Natera, Inc.
Classification: Uncertain significance for Ehlers-Danlos syndrome type VIIC. Last evaluated: 2020-03-17. Review status: no assertion criteria provided. Collection method: clinical testing. Allele origin: germline. Not counted in ClinVar's aggregate classification.

NM_014244.5(ADAMTS2):c.2812C>T (p.Arg938Cys)

Gene: ADAMTS2 (ADAM metallopeptidase with thrombospondin type 1 motif 2; minus strand). Cytogenetic location: 5q35.3.
Variant type: single nucleotide variant.
Coding change: c.2812C>T on transcript NM_014244.5 (MANE Select); coding-DNA position 2812, C replaced by T.
Protein change: p.Arg938Cys; replaces arginine 938 with cysteine.
Molecular consequence: missense variant.
Genome position (GRCh38, 1-based): chr5:179,125,119, G>A on the plus strand (C>T on the coding strand, the complement: ADAMTS2 is on the minus strand). VCF-style: chr5-179125119-G-A. GRCh37 (hg19) VCF-style: chr5-178552120-G-A.
Other names: short protein forms R938C.
Identifiers: ClinVar variation 1026773 (VCV001026773.10), dbSNP rs1302357894, ClinGen allele CA362420559.